The following is an entry in ClinVar:

ClinVar aggregate classification (germline): Uncertain significance. Review status: criteria provided, multiple submitters, no conflicts (2 of 4 stars). 3 submissions from 3 submitters: Uncertain significance (3). Last evaluated 2025-10-15.

Conditions:
TCF3-related disorder. Also called: TCF3-related condition.
Agammaglobulinemia 8, autosomal dominant (AGM8A). Also called: AGAMMAGLOBULINEMIA, AUTOSOMAL DOMINANT, DUE TO TCF3 DEFECT; AGAMMAGLOBULINEMIA 8A, AUTOSOMAL DOMINANT. Identifiers: MedGen C4310786, MONDO:0014840, OMIM 616941.

Allele frequency attached by ClinVar (database versions not stated): gnomAD exomes 0.00002 and 0.00005; gnomAD 0.00003; TOPMed 0.00003; ESP Exome Variant Server 0.00008; ExAC 0.00002.
gnomAD v4.1: 69 of 1,613,394 alleles (0.0043%); highest among the groups gnomAD compares: Non-Finnish European, 0.0058%; no homozygotes.

Submissions (3):

Dasa
Classification: Uncertain significance for Agammaglobulinemia 8, autosomal dominant. Last evaluated: 2025-10-15. Review status: criteria provided, single submitter. Criteria: DASA Assertion Criteria. Collection method: clinical testing. Allele origin: germline.
Comment: NM_003200.5(TCF3):c.530C>T (p.Pro177Leu) is a missense variant that results in the substitution of proline with leucine. This variant is rare in population databases. The currently available literature and clinical evidence are not sufficient to establish a definitive association between this variant and the reported condition. Therefore, this variant is classified as a variant of uncertain significance.

PreventionGenetics, part of Exact Sciences
Classification: Uncertain significance for TCF3-related condition. Last evaluated: 2025-01-22. Review status: criteria provided, single submitter. Criteria: ACMG Guidelines, 2015. Collection method: clinical testing. Allele origin: germline.
Comment: The TCF3 c.530C>T variant is predicted to result in the amino acid substitution p.Pro177Leu. To our knowledge, this variant has not been reported in the literature. This variant is reported in 0.0044% of alleles in individuals of European (Non-Finnish) descent in gnomAD. At this time, the clinical significance of this variant is uncertain due to the absence of conclusive functional and genetic evidence.

Labcorp Genetics (formerly Invitae), Labcorp
Classification: Uncertain significance. Last evaluated: 2025-01-20. Review status: criteria provided, single submitter. Criteria: Invitae Variant Classification Sherloc (09022015). Collection method: clinical testing. Allele origin: germline.
Comment: This sequence change replaces proline, which is neutral and non-polar, with leucine, which is neutral and non-polar, at codon 177 of the TCF3 protein (p.Pro177Leu). This variant is present in population databases (rs147142249, gnomAD 0.004%). This variant has not been reported in the literature in individuals affected with TCF3-related conditions. ClinVar contains an entry for this variant (Variation ID: 1409423). Invitae Evidence Modeling of protein sequence and biophysical properties (such as structural, functional, and spatial information, amino acid conservation, physicochemical variation, residue mobility, and thermodynamic stability) has been performed for this missense variant. However, the output from this modeling did not meet the statistical confidence thresholds required to predict the impact of this variant on TCF3 protein function. In summary, the available evidence is currently insufficient to determine the role of this variant in disease. Therefore, it has been classified as a Variant of Uncertain Significance.

NM_003200.5(TCF3):c.530C>T (p.Pro177Leu)

Gene: TCF3 (transcription factor 3; minus strand). Cytogenetic location: 19p13.3.
Variant type: single nucleotide variant.
Coding change: c.530C>T on transcript NM_003200.5 (MANE Select); coding-DNA position 530, C replaced by T.
Protein change: p.Pro177Leu; replaces proline 177 with leucine.
Molecular consequence: missense variant.
Genome position (GRCh38, 1-based): chr19:1,623,970, G>A on the plus strand (C>T on the coding strand, the complement: TCF3 is on the minus strand). VCF-style: chr19-1623970-G-A. GRCh37 (hg19) VCF-style: chr19-1623969-G-A.
Other names: c.530C>T, p.Pro177Leu (NM_001136139.4, NM_001351778.2, NM_001351779.2); c.530C>T (NM_003200.3); short protein forms P177L.
Identifiers: ClinVar variation 1409423 (VCV001409423.9), dbSNP rs147142249, ClinGen allele CA9050337.